The following is an entry in ClinVar:

NM_000088.4(COL1A1):c.833_834delinsTT (p.Gly278Val)

Genes: COL1A1 (collagen type I alpha 1 chain; minus strand), LOC126862586 (CDK7 strongly-dependent group 2 enhancer GRCh37_chr17:48273702-48274901; plus strand). Cytogenetic location: 17q21.33.
Variant type: Indel.
Coding change: c.833_834delinsTT on transcript NM_000088.4 (MANE Select); coding-DNA positions 833 to 834, GA replaced by TT.
Protein change: p.Gly278Val; replaces glycine 278 with valine.
Molecular consequence: missense variant.
Genome position (GRCh38, 1-based): chr17:50,196,641-50,196,642, TC replaced by AA on the plus strand (GA replaced by TT on the coding strand, the reverse complement: COL1A1 is on the minus strand). VCF-style: chr17-50196641-TC-AA. GRCh37 (hg19) VCF-style: chr17-48274002-TC-AA.
Other names: short protein forms G278V.
Identifiers: ClinVar variation 838007 (VCV000838007.8), dbSNP rs1907617224, ClinGen allele CA916081210.

ClinVar aggregate classification (germline): Pathogenic (1 of 4 stars; one submission).

Conditions:
Osteogenesis imperfecta type I (OI1). Also called: Lobstein's Disease; OI, TYPE I; OSTEOGENESIS IMPERFECTA TARDA; OSTEOGENESIS IMPERFECTA WITH BLUE SCLERAE; Osteogenesis imperfecta type 1; Lobstein disease. Identifiers: Orphanet 216796, Orphanet 666, MedGen C0023931, MONDO:0008146, OMIM 166200. Disease mechanism: loss of function.

Submission:

Labcorp Genetics (formerly Invitae), Labcorp
Classification: Pathogenic for Osteogenesis imperfecta type I. Last evaluated: 2019-11-25. Review status: criteria provided, single submitter. Criteria: Invitae Variant Classification Sherloc (09022015). Collection method: clinical testing. Allele origin: germline.
Comment: This variant has been observed in individual(s) with osteogenesis imperfecta (Invitae). In at least one individual the variant was observed to be de novo. This variant is not present in population databases (ExAC no frequency). This sequence change replaces glycine with valine at codon 278 of the COL1A1 protein (p.Gly278Val). The glycine residue is highly conserved and there is a moderate physicochemical difference between glycine and valine. Algorithms developed to predict the effect of sequence changes on RNA splicing suggest that this variant may create or strengthen a splice site, but this prediction has not been confirmed by published transcriptional studies. Glycine residues within the Gly-Xaa-Yaa repeats of the triple helix domain are required for the structure and stability of fibrillar collagens (PMID: 7695699, 8218237, 19344236). In COL1A1, missense variants at these glycine residues are significantly enriched in individuals with disease (PMID: 9016532, 17078022) compared to the general population (ExAC). For these reasons, this variant has been classified as Pathogenic.

Literature cited by the submitters: PubMed 7695699; PubMed 8218237; PubMed 19344236; PubMed 9016532; PubMed 17078022.